The following is an entry in ClinVar:

ClinVar aggregate classification (germline): Uncertain significance (1 of 4 stars; one submission).

Conditions:
Hereditary cancer-predisposing syndrome. Also called: Tumor predisposition; Hereditary neoplastic syndrome; Neoplastic Syndromes, Hereditary; Hereditary Cancer Syndrome. Identifiers: Orphanet 140162, MedGen C0027672, MeSH D009386, MONDO:0015356.

Submission:

Ambry Genetics
Classification: Uncertain significance for Hereditary cancer-predisposing syndrome. Last evaluated: 2025-05-05. Review status: criteria provided, single submitter. Criteria: Ambry Variant Classification Scheme 2023. Collection method: clinical testing. Allele origin: germline.
Comment: The p.T218I variant (also known as c.653C>T), located in coding exon 8 of the BAP1 gene, results from a C to T substitution at nucleotide position 653. The threonine at codon 218 is replaced by isoleucine, an amino acid with similar properties. This amino acid position is conserved. In addition, the in silico prediction for this alteration is inconclusive. Based on the available evidence, the clinical significance of this variant remains unclear.

NM_004656.4(BAP1):c.653C>T (p.Thr218Ile)

Gene: BAP1 (BRCA1 associated deubiquitinase 1; minus strand). Cytogenetic location: 3p21.1.
Variant type: single nucleotide variant.
Coding change: c.653C>T on transcript NM_004656.4 (MANE Select); coding-DNA position 653, C replaced by T.
Protein change: p.Thr218Ile; replaces threonine 218 with isoleucine.
Molecular consequence: missense variant.
Genome position (GRCh38, 1-based): chr3:52,406,835, G>A on the plus strand (C>T on the coding strand, the complement: BAP1 is on the minus strand). VCF-style: chr3-52406835-G-A. GRCh37 (hg19) VCF-style: chr3-52440851-G-A.
Other names: c.653C>T, p.Thr218Ile (NM_001410772.1); short protein forms T218I.
Identifiers: ClinVar variation 3987008 (VCV003987008.1).
Genomic context (GRCh38, chr3:52,406,835, plus strand): 5'-CCCAAAGTAGGTACAGCTCCAGAGAGTAGAACAGGGCAGGCACAGGGCCCTTACCCTGCA[G>A]TGGCGAGGCCGATACGCTCCATGATGACCCGCCGGGCCTTGTCTGTCCACTCCTCGTCCT-3'
Protein context (NP_004647.1, residues 208-228): RVIMERIGLA[Thr218Ile]AGEPYHDIRF